The following is an entry in ClinVar:

NM_001376.5(DYNC1H1):c.4651T>C (p.Phe1551Leu)

Gene: DYNC1H1 (dynein cytoplasmic 1 heavy chain 1; plus strand). Cytogenetic location: 14q32.31.
Variant type: single nucleotide variant.
Coding change: c.4651T>C on transcript NM_001376.5 (MANE Select); coding-DNA position 4651, T replaced by C.
Protein change: p.Phe1551Leu; replaces phenylalanine 1551 with leucine.
Molecular consequence: missense variant.
Genome position (GRCh38, 1-based): chr14:102,002,645, T>C. VCF-style: chr14-102002645-T-C. GRCh37 (hg19) VCF-style: chr14-102468982-T-C.
Other names: short protein forms F1551L.
Identifiers: ClinVar variation 408973 (VCV000408973.12), dbSNP rs762246186, ClinGen allele CA7352275.

ClinVar aggregate classification (germline): Uncertain significance. Review status: criteria provided, multiple submitters, no conflicts (2 of 4 stars). 5 submissions from 5 submitters: Uncertain significance (5). Last evaluated 2025-10-24.

Conditions:
DYNC1H1-related disorder. Also called: DYNC1H1-related condition; DYNC1H1-related disorders. Identifiers: MedGen CN381529.
Cortical dysplasia, complex, with other brain malformations 13. Also called: Intellectual disability, autosomal dominant 13. Identifiers: MedGen C3281202, MONDO:0013805, OMIM 614563.
DYNC1H1-Related Neuromuscular Disorder (DYNC1H1-NMD). Also called: DYNC1H1-related neuromuscular disorder. Identifiers: MedGen CN381103.
Inborn genetic diseases. Identifiers: MedGen C0950123, MeSH D030342.
Charcot-Marie-Tooth disease axonal type 2O. Also called: Charcot-Marie-Tooth Neuropathy Type 2O; Charcot-Marie-Tooth disease, axonal, type 20; CHARCOT-MARIE-TOOTH NEUROPATHY, AXONAL, TYPE 2O; CHARCOT-MARIE-TOOTH DISEASE, AXONAL, AUTOSOMAL DOMINANT, TYPE 2O. Identifiers: Orphanet 284232, MedGen C3280220, MONDO:0013644, OMIM 614228.

Allele frequency attached by ClinVar (database versions not stated): TOPMed below 0.00001; gnomAD 0.00001; gnomAD exomes 0.00003; ExAC 0.00005.
gnomAD v4.1: 10 of 1,614,102 alleles (0.00062%); highest among the groups gnomAD compares: Non-Finnish European, 0.00076%; no homozygotes.

Submissions (5):

MVZ Martinsried, Medicover Genetics
Classification: Uncertain significance for DYNC1H1-related neuromuscular disorder. Last evaluated: 2025-10-24. Review status: criteria provided, single submitter. Criteria: ClinGen Variant Curation SOP V3.2 + Classification Guidance July2025. Collection method: clinical testing. Allele origin: unknown. Affected: yes. Observed: 1 heterozygote.

Ambry Genetics
Classification: Uncertain significance for Inborn genetic diseases. Last evaluated: 2024-02-22. Review status: criteria provided, single submitter. Criteria: Ambry Variant Classification Scheme 2023. Collection method: clinical testing. Allele origin: germline.

PreventionGenetics, part of Exact Sciences
Classification: Uncertain significance for DYNC1H1-related condition. Last evaluated: 2023-02-27. Review status: criteria provided, single submitter. Criteria: ACMG Guidelines, 2015. Collection method: clinical testing. Allele origin: germline.
Comment: The DYNC1H1 c.4651T>C variant is predicted to result in the amino acid substitution p.Phe1551Leu. To our knowledge, this variant has not been reported in the literature. This variant is reported in 0.0062% of alleles in individuals of European (Non-Finnish) descent in gnomAD. At this time, the clinical significance of this variant is uncertain due to the absence of conclusive functional and genetic evidence.

Pittsburgh Clinical Genomics Laboratory, University of Pittsburgh Medical Center
Classification: Uncertain significance for Cortical dysplasia, complex, with other brain malformations 13. Last evaluated: 2022-06-22. Review status: criteria provided, single submitter. Criteria: ACMG Guidelines, 2015. Collection method: clinical testing. Allele origin: germline. Inheritance: Autosomal dominant inheritance. Affected: yes.
Comment: This sequence variant is a single nucleotide substitution (T>C) at position 4651 of the coding sequence of the DYNC1H1 gene that results in a phenylalanine to leucine amino acid change at residue 1551 of the DYNC1H1 protein. The Phe1551 residue falls in the linker domain which plays a critical role in the powerstroke movement of the DYNC1H1 protein (PMID: 32788638). This is a previously reported variant (ClinVar) that has not been observed in individuals with a DYNC1H1-related disorder in the published literature, to our knowledge. This variant is present in control population datasets (gnomAD database, 7 of 251,488 alleles, 0.003%). Multiple bioinformatic tools predict that this phenylalanine to leucine amino acid change would be damaging, and the Phe1551 residue is strongly conserved across the vertebrate species examined. Studies examining the functiol consequence of this variant have not been published, to our knowledge. At this time, there is insufficient evidence to determine if this variant is pathogenic or benign. Therefore, we consider this a variant of uncertain significance. ACMG Criteria: PM2, PP3

Labcorp Genetics (formerly Invitae), Labcorp
Classification: Uncertain significance for Charcot-Marie-Tooth disease axonal type 2O. Last evaluated: 2020-03-07. Review status: criteria provided, single submitter. Criteria: Invitae Variant Classification Sherloc (09022015). Collection method: clinical testing. Allele origin: germline.
Comment: In summary, this variant is a rare missense change with uncertain impact on protein function. There is no indication that it causes disease, but the available evidence is currently insufficient to prove that conclusively. Therefore, it has been classified as a Variant of Uncertain Significance. Algorithms developed to predict the effect of missense changes on protein structure and function do not agree on the potential impact of this missense change (SIFT: "Deleterious"; PolyPhen-2: "Probably Damaging"; Align-GVGD: "Class C0"). This variant is present in population databases (rs762246186, ExAC 0.009%) but has not been reported in the literature in individuals with a DYNC1H1-related disease. This sequence change replaces phenylalanine with leucine at codon 1551 of the DYNC1H1 protein (p.Phe1551Leu). The phenylalanine residue is highly conserved and there is a small physicochemical difference between phenylalanine and leucine.

Literature cited by the submitters: PubMed 32788638 (cited by Pittsburgh Clinical Genomics Laboratory, University of Pittsburgh Medical Center).